The following is an entry in ClinVar:

NM_000285.4(PEPD):c.1135G>A (p.Val379Met)

Gene: PEPD (peptidase D; minus strand). Cytogenetic location: 19q13.11.
Variant type: single nucleotide variant.
Coding change: c.1135G>A on transcript NM_000285.4 (MANE Select); coding-DNA position 1135, G replaced by A.
Protein change: p.Val379Met; replaces valine 379 with methionine.
Molecular consequence: missense variant.
Genome position (GRCh38, 1-based): chr19:33,391,312, C>T on the plus strand (G>A on the coding strand, the complement: PEPD is on the minus strand). VCF-style: chr19-33391312-C-T. GRCh37 (hg19) VCF-style: chr19-33882218-C-T.
Other names: c.1012G>A, p.Val338Met (NM_001166056.2); c.943G>A, p.Val315Met (NM_001166057.2); short protein forms V315M, V379M, V338M.
Identifiers: ClinVar variation 1401107 (VCV001401107.5), dbSNP rs771617102, ClinGen allele CA9363999.
Genomic context (GRCh38, chr19:33,391,312, plus strand): 5'-CAGCTGATGGGCAGGCCACTCCGCCTGCCATGTCCACACTGACCTCTGGGTAGCCTCCCA[C>T]GTCGTGCACGTCAATGCCCAGGAAGTGGCCAAGCCCGTGAGGCATAAACACGGCCCCCAG-3'
Protein context (NP_000276.2, residues 369-389): GHFLGIDVHD[Val379Met]GGYPEGVERI

ClinVar aggregate classification (germline): Uncertain significance (1 of 4 stars; one submission).

Allele frequency attached by ClinVar (database versions not stated): gnomAD exomes 0.00002 and 0.00005; TOPMed 0.00002; ExAC 0.00003; gnomAD 0.00005 and 0.00006.
gnomAD v4.1: 32 of 1,611,464 alleles (0.002%); highest among the groups gnomAD compares: Admixed American, 0.0033%; no homozygotes.

Submission:

Labcorp Genetics (formerly Invitae), Labcorp
Classification: Uncertain significance. Last evaluated: 2022-04-09. Review status: criteria provided, single submitter. Criteria: Invitae Variant Classification Sherloc (09022015). Collection method: clinical testing. Allele origin: germline.
Comment: This sequence change replaces valine, which is neutral and non-polar, with methionine, which is neutral and non-polar, at codon 379 of the PEPD protein (p.Val379Met). This variant is present in population databases (rs771617102, gnomAD 0.04%). This variant has not been reported in the literature in individuals affected with PEPD-related conditions. Algorithms developed to predict the effect of missense changes on protein structure and function are either unavailable or do not agree on the potential impact of this missense change (SIFT: "Deleterious"; PolyPhen-2: "Probably Damaging"; Align-GVGD: "Class C0"). In summary, the available evidence is currently insufficient to determine the role of this variant in disease. Therefore, it has been classified as a Variant of Uncertain Significance.